The following is an entry in ClinVar:

ClinVar aggregate classification (germline): Likely pathogenic (1 of 4 stars; one submission).

Submission:

GeneDx
Classification: Likely pathogenic. Last evaluated: 2021-01-06. Review status: criteria provided, single submitter. Criteria: GeneDx Variant Classification Process June 2021. Collection method: clinical testing. Allele origin: germline. Affected: yes.
Comment: In-frame insertion of 7 amino acids in a non-repeat region; Not observed in large population cohorts (Lek et al., 2016); Has not been previously published as pathogenic or benign to our knowledge

NM_001614.5(ACTG1):c.761_781dup (p.Arg254_Ala260dup)

Gene: ACTG1 (actin gamma 1; minus strand). Cytogenetic location: 17q25.3.
Variant type: Duplication.
Coding change: c.761_781dup on transcript NM_001614.5 (MANE Select); coding-DNA positions 761 to 781, 21 bases duplicated (GGTTCCGGTGTCCGGAGGCGC).
Protein change: p.Arg254_Ala260dup.
Molecular consequence: inframe insertion. On other transcripts: non-coding transcript variant (1).
Genome position (GRCh38, 1-based): chr17:81,511,209-81,511,229, GCGCCTCCGGACACCGGAACC duplicated on the plus strand (GGTTCCGGTGTCCGGAGGCGC on the coding strand, the reverse complement: ACTG1 is on the minus strand); duplicating any 21 consecutive bases within chr17:81,511,209-81,511,231 gives the same sequence; the c. name uses the placement nearest the transcript's 3' end. VCF-style (leftmost placement, unchanged base first): chr17-81511208-A-AGCGCCTCCGGACACCGGAACC. GRCh37 (hg19) VCF-style: chr17-79478234-A-AGCGCCTCCGGACACCGGAACC.
Other names: c.761_781dup, p.Arg254_Ala260dup (NM_001199954.3).
Identifiers: ClinVar variation 1216911 (VCV001216911.3), dbSNP rs2143776740, ClinGen allele CA2499225032.